The following is an entry in ClinVar:

ClinVar aggregate classification (germline): Likely pathogenic. Review status: criteria provided, multiple submitters, no conflicts (2 of 4 stars). 4 submissions from 4 submitters: Likely pathogenic (4). Last evaluated 2026-03-15.

Conditions:
Oculocutaneous albinism type 1A (OCA1A). Also called: Albinism, oculocutaneous, type IA. Identifiers: Orphanet 352731, Orphanet 79431, MedGen C4551504, MONDO:0008745, OMIM 203100. Disease mechanism: loss of function.
Oculocutaneous albinism type 1B (OCA1B). Also called: YELLOW ALBINISM; ALBINISM, OCULOCUTANEOUS, TYPE IB; ALBINISM, YELLOW MUTANT TYPE. Identifiers: Orphanet 352731, Orphanet 352737, Orphanet 79434, MedGen C1847024, MONDO:0011749, OMIM 606952.
SKIN/HAIR/EYE PIGMENTATION 3, LIGHT/DARK SKIN (SHEP3). Also called: SKIN/HAIR/EYE PIGMENTATION 3, BLUE/GREEN EYE COLOR; SKIN/HAIR/EYE PIGMENTATION 3, FRECKLING; SKIN/HAIR/EYE PIGMENTATION, VARIATION IN, 3; EYE COLOR 1; EYE COLOR, GREEN/BLUE. Identifiers: MedGen C2677190, OMIM 601800.
Oculocutaneous albinism. Identifiers: Orphanet 55, MedGen C0078918, MONDO:0018910.

Submissions (4):

GeneDx
Classification: Likely pathogenic. Last evaluated: 2026-03-15. Review status: criteria provided, single submitter. Criteria: GeneDx Variant Classification Process June 2021. Collection method: clinical testing. Allele origin: germline.
Comment: Not observed at significant frequency in large population cohorts (gnomAD); In silico analysis supports that this missense variant has a deleterious effect on protein structure/function; Has not been previously published as pathogenic or benign to our knowledge

Women's Health and Genetics/Laboratory Corporation of America, LabCorp
Classification: Likely pathogenic for Oculocutaneous albinism. Last evaluated: 2025-07-31. Review status: criteria provided, single submitter. Criteria: LabCorp Variant Classification Summary - May 2015. Collection method: clinical testing. Allele origin: germline.
Comment: Variant summary: TYR c.604C>T (p.His202Tyr) results in a conservative amino acid change in the encoded protein sequence. Algorithms developed to predict the effect of missense changes on protein structure and function are either unavailable or do not agree on the potential impact of this missense change. The variant was absent in 251438 control chromosomes (gnomAD). c.604C>T has been observed in individual(s) affected with Oculocutaneous Albinism (Labcorp (formerly Invitae) internal case(s)). These data indicate that the variant is likely to be associated with disease. Different variants affecting the same codon have been classified as (likely) pathogenic by our lab (H202R/Q), supporting the critical relevance of codon 202 to protein function. To our knowledge, no experimental evidence demonstrating an impact on protein function has been reported. ClinVar contains an entry for this variant (Variation ID: 1462175). Based on the evidence outlined above, the variant was classified as likely pathogenic.

Labcorp Genetics (formerly Invitae), Labcorp
Classification: Likely pathogenic. Last evaluated: 2024-09-05. Review status: criteria provided, single submitter. Criteria: Invitae Variant Classification Sherloc (09022015). Collection method: clinical testing. Allele origin: germline.
Comment: This sequence change replaces histidine, which is basic and polar, with tyrosine, which is neutral and polar, at codon 202 of the TYR protein (p.His202Tyr). This variant is not present in population databases (gnomAD no frequency). This missense change has been observed in individual(s) with clinical features of oculocutaneous albinism type 1A (internal data). It has also been observed to segregate with disease in related individuals. ClinVar contains an entry for this variant (Variation ID: 1462175). Invitae Evidence Modeling of protein sequence and biophysical properties (such as structural, functional, and spatial information, amino acid conservation, physicochemical variation, residue mobility, and thermodynamic stability) indicates that this missense variant is expected to disrupt TYR protein function with a positive predictive value of 80%. This variant disrupts the p.His202 amino acid residue in TYR. Other variant(s) that disrupt this residue have been determined to be pathogenic (PMID: 20861488, 25216246, 27734839). This suggests that this residue is clinically significant, and that variants that disrupt this residue are likely to be disease-causing. In summary, the currently available evidence indicates that the variant is pathogenic, but additional data are needed to prove that conclusively. Therefore, this variant has been classified as Likely Pathogenic.

Fulgent Genetics
Classification: Likely pathogenic for Oculocutaneous albinism type 1A; SKIN/HAIR/EYE PIGMENTATION 3, LIGHT/DARK SKIN; Oculocutaneous albinism type 1B. Last evaluated: 2024-04-15. Review status: criteria provided, single submitter. Criteria: ACMG Guidelines, 2015. Collection method: clinical testing. Allele origin: germline.

Literature cited by the submitters: PubMed 20861488 (cited by Labcorp Genetics (formerly Invitae), Labcorp); PubMed 25216246 (cited by Labcorp Genetics (formerly Invitae), Labcorp); PubMed 27734839 (cited by Labcorp Genetics (formerly Invitae), Labcorp).

NM_000372.5(TYR):c.604C>T (p.His202Tyr)

Gene: TYR (tyrosinase; plus strand). Cytogenetic location: 11q14.3.
Variant type: single nucleotide variant.
Coding change: c.604C>T on transcript NM_000372.5 (MANE Select); coding-DNA position 604, C replaced by T.
Protein change: p.His202Tyr; replaces histidine 202 with tyrosine.
Molecular consequence: missense variant.
Genome position (GRCh38, 1-based): chr11:89,178,557, C>T. VCF-style: chr11-89178557-C-T. GRCh37 (hg19) VCF-style: chr11-88911725-C-T.
Other names: c.604C>T (NM_000372.4); short protein forms H202Y.
Identifiers: ClinVar variation 1462175 (VCV001462175.12), dbSNP rs749096874, ClinGen allele CA382034923.